The following is an entry in ClinVar:

ClinVar aggregate classification (germline): Uncertain significance (1 of 4 stars; one submission).

gnomAD v4.1: 1 of 1,614,164 alleles (0.000062%); highest among the groups gnomAD compares: South Asian, 0.0011%; no homozygotes.

Submission:

GeneDx
Classification: Uncertain significance. Last evaluated: 2024-12-26. Review status: criteria provided, single submitter. Criteria: GeneDx Variant Classification Process June 2021. Collection method: clinical testing. Allele origin: germline. Affected: yes.
Comment: Not observed at significant frequency in large population cohorts (gnomAD); In silico analysis supports that this missense variant has a deleterious effect on protein structure/function; Has not been previously published as pathogenic or benign to our knowledge

NM_002971.6(SATB1):c.1321G>T (p.Asp441Tyr)

Gene: SATB1 (SATB homeobox 1; minus strand). Cytogenetic location: 3p24.3.
Variant type: single nucleotide variant.
Coding change: c.1321G>T on transcript NM_002971.6 (MANE Select); coding-DNA position 1321, G replaced by T.
Protein change: p.Asp441Tyr; replaces aspartic acid 441 with tyrosine.
Molecular consequence: missense variant.
Genome position (GRCh38, 1-based): chr3:18,386,497, C>A on the plus strand (G>T on the coding strand, the complement: SATB1 is on the minus strand). VCF-style: chr3-18386497-C-A. GRCh37 (hg19) VCF-style: chr3-18427989-C-A.
Other names: c.1321G>T, p.Asp441Tyr (NM_001131010.4, NM_001195470.3, NM_001322871.2 and 4 more transcripts); c.1105G>T, p.Asp369Tyr (NM_001322876.2); short protein forms D369Y, D441Y.
Identifiers: ClinVar variation 3908014 (VCV003908014.1).